The following is an entry in ClinVar:

ClinVar aggregate classification (germline): Uncertain significance (1 of 4 stars; one submission).

Conditions:
Hereditary cancer-predisposing syndrome. Also called: Neoplastic Syndromes, Hereditary; Tumor predisposition; Hereditary Cancer Syndrome; Hereditary neoplastic syndrome. Identifiers: Orphanet 140162, MedGen C0027672, MeSH D009386, MONDO:0015356.

Submission:

Ambry Genetics
Classification: Uncertain significance for Hereditary cancer-predisposing syndrome. Last evaluated: 2018-04-24. Review status: criteria provided, single submitter. Criteria: Ambry Variant Classification Scheme 2023. Collection method: clinical testing. Allele origin: germline.
Comment: The p.T566A variant (also known as c.1696A>G), located in coding exon 9 of the DICER1 gene, results from an A to G substitution at nucleotide position 1696. The threonine at codon 566 is replaced by alanine, an amino acid with similar properties. This amino acid position is not well conserved in available vertebrate species. In addition, this alteration is predicted to be tolerated by in silico analysis. Since supporting evidence is limited at this time, the clinical significance of this alteration remains unclear.

NM_177438.3(DICER1):c.1696A>G (p.Thr566Ala)

Gene: DICER1 (dicer 1, ribonuclease III; minus strand). Cytogenetic location: 14q32.13.
Variant type: single nucleotide variant.
Coding change: c.1696A>G on transcript NM_177438.3 (MANE Select); coding-DNA position 1696, A replaced by G.
Protein change: p.Thr566Ala; replaces threonine 566 with alanine.
Molecular consequence: missense variant.
Genome position (GRCh38, 1-based): chr14:95,116,509, T>C on the plus strand (A>G on the coding strand, the complement: DICER1 is on the minus strand). VCF-style: chr14-95116509-T-C. GRCh37 (hg19) VCF-style: chr14-95582846-T-C.
Other names: c.1696A>G, p.Thr566Ala (NM_001195573.1, NM_001271282.3, NM_001291628.2 and 1 more transcripts); short protein forms T566A.
Identifiers: ClinVar variation 819797 (VCV000819797.4), dbSNP rs1595410806, ClinGen allele CA390884774.
Genomic context (GRCh38, chr14:95,116,509, plus strand): 5'-TTACCTTTTCAATAGCTTTGTAGGTTTTAAGGTCTTCTTCAAAACTTTTTATTTTGTCTG[T>C]ATCCGCTAACATTATATAATTAGAGATGGGTGCCCTTGCTCTTCCTTTAGATTGAACATA-3'
Protein context (NP_803187.1, residues 556-576): PISNYIMLAD[Thr566Ala]DKIKSFEEDL